The following is an entry in ClinVar:

ClinVar aggregate classification (germline): Uncertain significance. Review status: criteria provided, multiple submitters, no conflicts (2 of 4 stars). 2 submissions from 2 submitters: Uncertain significance (2). Last evaluated 2026-07-01.

Conditions:
Glycogen storage disease, type II (IOPD). Also called: POMPE DISEASE, INFANTILE-ONSET; GLYCOGEN STORAGE DISEASE II, INFANTILE-ONSET; ACID ALPHA-GLUCOSIDASE DEFICIENCY, INFANTILE-ONSET; GAA DEFICIENCY, INFANTILE-ONSET; ACID MALTASE DEFICIENCY, INFANTILE-ONSET; CARDIOMEGALIA GLYCOGENICA DIFFUSA. Identifiers: Orphanet 365, MedGen C0017921, MONDO:0009290, OMIM 232300.

Submissions (2):

Genomenon, Inc
Classification: Uncertain significance for Glycogen storage disease, type II. Last evaluated: 2026-07-01. Review status: criteria provided, single submitter. Criteria: Genomenon Sequence Variant Interpretation Standards - Updated. Collection method: curation. Allele origin: germline. Affected: no.
Comment: GAA p.Val544Glu (c.1631T>A) is a missense variant that changes the amino acid at codon 544 from Valine to Glutamic acid. This variant has been reported in the published literature (PMID:33073003). It is absent or not present at a significant frequency in gnomAD. In conclusion, we classify GAA p.Val544Glu (c.1631T>A) as a variant of uncertain significance.

Labcorp Genetics (formerly Invitae), Labcorp
Classification: Uncertain significance for Glycogen storage disease, type II. Last evaluated: 2021-10-10. Review status: criteria provided, single submitter. Criteria: Invitae Variant Classification Sherloc (09022015). Collection method: clinical testing. Allele origin: germline.
Comment: This sequence change replaces valine with glutamic acid at codon 544 of the GAA protein (p.Val544Glu). The valine residue is moderately conserved and there is a moderate physicochemical difference between valine and glutamic acid. This variant is not present in population databases (ExAC no frequency). This variant has not been reported in the literature in individuals affected with GAA-related conditions. Algorithms developed to predict the effect of missense changes on protein structure and function are either unavailable or do not agree on the potential impact of this missense change (SIFT: "Deleterious"; PolyPhen-2: "Benign"; Align-GVGD: "Class C0"). In summary, the available evidence is currently insufficient to determine the role of this variant in disease. Therefore, it has been classified as a Variant of Uncertain Significance.

Literature cited by the submitters: PubMed 33073003 (cited by Genomenon, Inc).

NM_000152.5(GAA):c.1631T>A (p.Val544Glu)

Gene: GAA (alpha glucosidase; plus strand). Cytogenetic location: 17q25.3.
Variant type: single nucleotide variant.
Coding change: c.1631T>A on transcript NM_000152.5 (MANE Select); coding-DNA position 1631, T replaced by A.
Protein change: p.Val544Glu; replaces valine 544 with glutamic acid.
Molecular consequence: missense variant.
Genome position (GRCh38, 1-based): chr17:80,111,020, T>A. VCF-style: chr17-80111020-T-A. GRCh37 (hg19) VCF-style: chr17-78084819-T-A.
Other names: c.1631T>A (LRG_673t1); c.1631T>A, p.Val544Glu (NM_001079803.3, NM_001079804.3); short protein forms V544E.
Identifiers: ClinVar variation 569824 (VCV000569824.5), dbSNP rs1567833361, ClinGen allele CA401367375.